The following is an entry in ClinVar:

ClinVar aggregate classification (germline): Pathogenic (1 of 4 stars; one submission).

Conditions:
Gorlin syndrome. Also called: Basal cell nevus syndrome; Nevoid Basal Cell Carcinoma Syndrome. Identifiers: Orphanet 377, MedGen C0004779, MONDO:0007187.
Medulloblastoma (MDB). Also called: Medulloblastoma, somatic; MEDULLOBLASTOMA PREDISPOSITION SYNDROME. Identifiers: Orphanet 616, MedGen C0025149, MeSH D008527, MONDO:0007959, OMIM 155255, HP:0002885.

Submission:

Labcorp Genetics (formerly Invitae), Labcorp
Classification: Pathogenic for Gorlin syndrome; Medulloblastoma. Last evaluated: 2018-05-31. Review status: criteria provided, single submitter. Criteria: Invitae Variant Classification Sherloc (09022015). Collection method: clinical testing. Allele origin: germline.
Comment: This sequence change creates a premature translational stop signal (p.Lys59*) in the SUFU gene. It is expected to result in an absent or disrupted protein product. This variant is not present in population databases (ExAC no frequency). This variant has not been reported in the literature in individuals with SUFU-related disease. Loss-of-function variants in SUFU are known to be pathogenic (PMID: 22508808, 25403219). For these reasons, this variant has been classified as Pathogenic.

Literature cited by the submitters: PubMed 22508808; PubMed 25403219.

NM_016169.4(SUFU):c.175A>T (p.Lys59Ter)

Gene: SUFU (SUFU negative regulator of hedgehog signaling; plus strand). Cytogenetic location: 10q24.32.
Variant type: single nucleotide variant.
Coding change: c.175A>T on transcript NM_016169.4 (MANE Select); coding-DNA position 175, A replaced by T.
Protein change: p.Lys59Ter; replaces lysine 59 with a stop codon.
Molecular consequence: nonsense.
Genome position (GRCh38, 1-based): chr10:102,504,327, A>T. VCF-style: chr10-102504327-A-T. GRCh37 (hg19) VCF-style: chr10-104264084-A-T.
Other names: c.175A>T, p.Lys59Ter (NM_001178133.2); short protein forms K59*.
Identifiers: ClinVar variation 581907 (VCV000581907.7), dbSNP rs1564654588, ClinGen allele CA377886765.